The following is an entry in ClinVar:

NM_004656.4(BAP1):c.454C>T (p.Leu152Phe)

Gene: BAP1 (BRCA1 associated deubiquitinase 1; minus strand). Cytogenetic location: 3p21.1.
Variant type: single nucleotide variant.
Coding change: c.454C>T on transcript NM_004656.4 (MANE Select); coding-DNA position 454, C replaced by T.
Protein change: p.Leu152Phe; replaces leucine 152 with phenylalanine.
Molecular consequence: missense variant.
Genome position (GRCh38, 1-based): chr3:52,407,300, G>A on the plus strand (C>T on the coding strand, the complement: BAP1 is on the minus strand). VCF-style: chr3-52407300-G-A. GRCh37 (hg19) VCF-style: chr3-52441316-G-A.
Other names: short protein forms L152F.
Identifiers: ClinVar variation 949186 (VCV000949186.12), dbSNP rs887658889, ClinGen allele CA353110354.

ClinVar aggregate classification (germline): Conflicting classifications of pathogenicity. Review status: criteria provided, conflicting classifications (1 of 4 stars). 4 submissions from 4 submitters: Uncertain significance (3); Benign (1). Last evaluated 2025-11-13.

Conditions:
Hereditary cancer-predisposing syndrome. Also called: Hereditary neoplastic syndrome; Neoplastic Syndromes, Hereditary; Tumor predisposition; Hereditary Cancer Syndrome. Identifiers: Orphanet 140162, MedGen C0027672, MeSH D009386, MONDO:0015356.
BAP1-related tumor predisposition syndrome (TPDS1). Also called: TUMOR PREDISPOSITION SYNDROME 1; BAP1 tumor predisposition syndrome; COMMON Syndrome; Tumor susceptibility linked to germline BAP1 mutations. Identifiers: Orphanet 289539, MedGen C3280492, MONDO:0013692, OMIM 614327.

Allele frequency attached by ClinVar (database versions not stated): gnomAD exomes below 0.00001; TOPMed 0.00002.
gnomAD v4.1: 3 of 1,614,062 alleles (0.00019%); highest among the groups gnomAD compares: Non-Finnish European, 0.00025%; no homozygotes.

Submissions (4):

Labcorp Genetics (formerly Invitae), Labcorp
Classification: Uncertain significance for BAP1-related tumor predisposition syndrome. Last evaluated: 2025-11-13. Review status: criteria provided, single submitter. Criteria: Invitae Variant Classification Sherloc (09022015). Collection method: clinical testing. Allele origin: germline.
Comment: This sequence change replaces leucine, which is neutral and non-polar, with phenylalanine, which is neutral and non-polar, at codon 152 of the BAP1 protein (p.Leu152Phe). This variant is not present in population databases (gnomAD no frequency). This variant has not been reported in the literature in individuals affected with BAP1-related conditions. ClinVar contains an entry for this variant (Variation ID: 949186). Invitae Evidence Modeling of protein sequence and biophysical properties (such as structural, functional, and spatial information, amino acid conservation, physicochemical variation, residue mobility, and thermodynamic stability) indicates that this missense variant is expected to disrupt BAP1 protein function with a positive predictive value of 80%. In summary, the available evidence is currently insufficient to determine the role of this variant in disease. Therefore, it has been classified as a Variant of Uncertain Significance.

Ambry Genetics
Classification: Benign for Hereditary cancer-predisposing syndrome. Last evaluated: 2025-03-06. Review status: criteria provided, single submitter. Criteria: Ambry Variant Classification Scheme 2023. Collection method: clinical testing. Allele origin: germline.

Color Diagnostics, LLC DBA Color Health
Classification: Uncertain significance for Hereditary cancer-predisposing syndrome. Last evaluated: 2025-01-07. Review status: criteria provided, single submitter. Criteria: ACMG Guidelines, 2015. Collection method: clinical testing. Allele origin: germline.
Comment: This missense variant replaces leucine with phenylalanine at codon 152 of the BAP1 protein. Computational prediction suggests that this variant may not impact protein structure and function. To our knowledge, functional studies have not been reported for this variant. This variant has not been reported in individuals affected with BAP1-related disorders in the literature. This variant has not been identified in the general population by the Genome Aggregation Database (gnomAD). The available evidence is insufficient to determine the role of this variant in disease conclusively. Therefore, this variant is classified as a Variant of Uncertain Significance.

GeneDx
Classification: Uncertain significance. Last evaluated: 2022-10-29. Review status: criteria provided, single submitter. Criteria: GeneDx Variant Classification Process June 2021. Collection method: clinical testing. Allele origin: germline. Affected: yes.
Comment: Not observed at significant frequency in large population cohorts (gnomAD); In silico analysis supports that this missense variant does not alter protein structure/function; Has not been previously published as pathogenic or benign to our knowledge

Literature cited by the submitters: PubMed 38969833 (cited by Ambry Genetics).